The following is an entry in ClinVar:

ClinVar aggregate classification (germline): Uncertain significance (1 of 4 stars; one submission).

Conditions:
Spinocerebellar ataxia, autosomal recessive, with axonal neuropathy 2 (SCAN2). Also called: ATAXIA-OCULOMOTOR APRAXIA 2; Ataxia-ocular apraxia-2; Ataxia with Oculomotor Apraxia; Ataxia with Oculomotor Apraxia Type 2. Identifiers: Orphanet 64753, MedGen C1853761, MONDO:0018996, OMIM 606002.
Amyotrophic lateral sclerosis type 4 (ALS4). Also called: AMYOTROPHIC LATERAL SCLEROSIS 4, JUVENILE; NEURONOPATHY, DISTAL HEREDITARY MOTOR, WITH PYRAMIDAL FEATURES. Identifiers: Orphanet 357043, MedGen C1865409, MONDO:0011223, OMIM 602433.

gnomAD v4.1: 1 of 1,614,182 alleles (0.000062%); highest among the groups gnomAD compares: Non-Finnish European, 0.000085%; no homozygotes.

Submission:

Labcorp Genetics (formerly Invitae), Labcorp
Classification: Uncertain significance for Amyotrophic lateral sclerosis type 4; Spinocerebellar ataxia, autosomal recessive, with axonal neuropathy 2. Last evaluated: 2025-12-22. Review status: criteria provided, single submitter. Criteria: Invitae Variant Classification Sherloc (09022015). Collection method: clinical testing. Allele origin: germline.
Comment: This sequence change replaces isoleucine, which is neutral and non-polar, with threonine, which is neutral and polar, at codon 1268 of the SETX protein (p.Ile1268Thr). This variant is not present in population databases (gnomAD no frequency). This variant has not been reported in the literature in individuals affected with SETX-related conditions. Invitae Evidence Modeling of protein sequence and biophysical properties (such as structural, functional, and spatial information, amino acid conservation, physicochemical variation, residue mobility, and thermodynamic stability) indicates that this missense variant is not expected to disrupt SETX protein function with a negative predictive value of 95%. In summary, the available evidence is currently insufficient to determine the role of this variant in disease. Therefore, it has been classified as a Variant of Uncertain Significance.

NM_015046.7(SETX):c.3803T>C (p.Ile1268Thr)

Gene: SETX (senataxin; minus strand). Cytogenetic location: 9q34.13.
Variant type: single nucleotide variant.
Coding change: c.3803T>C on transcript NM_015046.7 (MANE Select); coding-DNA position 3803, T replaced by C.
Protein change: p.Ile1268Thr; replaces isoleucine 1268 with threonine.
Molecular consequence: missense variant.
Genome position (GRCh38, 1-based): chr9:132,327,795, A>G on the plus strand (T>C on the coding strand, the complement: SETX is on the minus strand). VCF-style: chr9-132327795-A-G. GRCh37 (hg19) VCF-style: chr9-135203182-A-G.
Other names: c.3803T>C, p.Ile1268Thr (NM_001351527.2, NM_001351528.2); short protein forms I1268T.
Identifiers: ClinVar variation 4792647 (VCV004792647.1).